The following is an entry in ClinVar:

NM_006005.3(WFS1):c.1649A>C (p.Glu550Ala)

Gene: WFS1 (wolframin ER transmembrane glycoprotein; plus strand). Cytogenetic location: 4p16.1.
Variant type: single nucleotide variant.
Coding change: c.1649A>C on transcript NM_006005.3 (MANE Select); coding-DNA position 1649, A replaced by C.
Protein change: p.Glu550Ala; replaces glutamic acid 550 with alanine.
Molecular consequence: missense variant.
Genome position (GRCh38, 1-based): chr4:6,301,444, A>C. VCF-style: chr4-6301444-A-C. GRCh37 (hg19) VCF-style: chr4-6303171-A-C.
Other names: c.1649A>C, p.Glu550Ala (NM_001145853.1); short protein forms E550A.
Identifiers: ClinVar variation 1348987 (VCV001348987.8), dbSNP rs760990181, ClinGen allele CA2839429.

ClinVar aggregate classification (germline): Uncertain significance. Review status: criteria provided, multiple submitters, no conflicts (2 of 4 stars). 3 submissions from 3 submitters: Uncertain significance (3). Last evaluated 2023-02-15.

Conditions:
Autosomal dominant nonsyndromic hearing loss 6 (LFSNHL). Also called: Autosomal dominant nonsyndromic deafness 6; DEAFNESS, AUTOSOMAL DOMINANT 6; DEAFNESS, AUTOSOMAL DOMINANT 14; DEAFNESS, AUTOSOMAL DOMINANT 38. Identifiers: Orphanet 90635, MedGen C1833021, MONDO:0010963, OMIM 600965.
Type 2 diabetes mellitus. Also called: Type II diabetes mellitus. Identifiers: MedGen C0011860, MeSH D003924, MONDO:0005148, OMIM 125853, HP:0005978.
Wolfram-like syndrome. Also called: HEARING LOSS, PROGRESSIVE, WITH OPTIC ATROPHY AND/OR IMPAIRED GLUCOSE REGULATION. Identifiers: Orphanet 411590, MedGen C3280358, MONDO:0013673, OMIM 614296.
Cataract 41 (CTRCT41). Also called: CATARACT 41, CONGENITAL NUCLEAR TYPE. Identifiers: Orphanet 91492, Orphanet 98991, Orphanet 98992, Orphanet 98995, MedGen C3805412, MONDO:0007287, OMIM 116400.
Wolfram syndrome 1 (WFS1). Identifiers: Orphanet 3463, MedGen C4551693, MONDO:0009101, OMIM 222300.

Allele frequency attached by ClinVar (database versions not stated): ExAC 0.00001; gnomAD 0.00001; gnomAD exomes 0.00001 and 0.00002; TOPMed 0.00002.
gnomAD v4.1: 9 of 1,612,320 alleles (0.00056%); highest among the groups gnomAD compares: Admixed American, 0.01%; no homozygotes.

Submissions (3):

GeneDx
Classification: Uncertain significance. Last evaluated: 2023-02-15. Review status: criteria provided, single submitter. Criteria: GeneDx Variant Classification Process June 2021. Collection method: clinical testing. Allele origin: germline. Affected: yes.
Comment: In silico analysis supports that this missense variant does not alter protein structure/function; Has not been previously published as pathogenic or benign to our knowledge

Labcorp Genetics (formerly Invitae), Labcorp
Classification: Uncertain significance. Last evaluated: 2022-08-16. Review status: criteria provided, single submitter. Criteria: Invitae Variant Classification Sherloc (09022015). Collection method: clinical testing. Allele origin: germline.
Comment: This sequence change replaces glutamic acid, which is acidic and polar, with alanine, which is neutral and non-polar, at codon 550 of the WFS1 protein (p.Glu550Ala). This variant is present in population databases (rs760990181, gnomAD 0.009%). This variant has not been reported in the literature in individuals affected with WFS1-related conditions. ClinVar contains an entry for this variant (Variation ID: 1348987). Advanced modeling of protein sequence and biophysical properties (such as structural, functional, and spatial information, amino acid conservation, physicochemical variation, residue mobility, and thermodynamic stability) performed at Invitae indicates that this missense variant is not expected to disrupt WFS1 protein function. In summary, the available evidence is currently insufficient to determine the role of this variant in disease. Therefore, it has been classified as a Variant of Uncertain Significance.

Fulgent Genetics
Classification: Uncertain significance for Cataract 41; Type 2 diabetes mellitus; Wolfram syndrome 1; Autosomal dominant nonsyndromic hearing loss 6; Wolfram-like syndrome. Last evaluated: 2022-03-05. Review status: criteria provided, single submitter. Criteria: ACMG Guidelines, 2015. Collection method: clinical testing. Allele origin: unknown.